The following is an entry in ClinVar:

NM_005141.5(FGB):c.1260del (p.Arg421fs)

Gene: FGB (fibrinogen beta chain; plus strand). Cytogenetic location: 4q31.3.
Variant type: Deletion.
Coding change: c.1260del on transcript NM_005141.5 (MANE Select); coding-DNA position 1260, one base deleted (C; older notation c.1260delC).
Protein change: p.Arg421fs; shifts the reading frame from arginine 421.
Molecular consequence: frameshift variant. On other transcripts: 3 prime UTR variant (1), intron variant (2).
Genome position (GRCh38, 1-based): chr4:154,570,434, C deleted; the last of 3 consecutive C bases (chr4:154,570,432-154,570,434); deleting any one gives the same sequence. VCF-style (leftmost placement, unchanged base first): chr4-154570431-TC-T. GRCh37 (hg19) VCF-style: chr4-155491583-TC-T.
Other names: c.1083del, p.Arg362fs (NM_001184741.1); c.1128del, p.Arg377fs (NM_001382759.1); c.960del, p.Arg321fs (NM_001382762.1); c.1251del, p.Arg418fs (NM_001382763.1); c.*34del (NM_001382764.1); c.1236del, p.Arg413fs (NM_001382765.1); c.1245-75del (NM_001382761.1); c.1245-183del (NM_001382760.1); short protein forms R321fs, R362fs, R377fs, R413fs, R418fs, R421fs.
Identifiers: ClinVar variation 4857320 (VCV004857320.1).

ClinVar aggregate classification (germline): Likely pathogenic (1 of 4 stars; one submission).

Conditions:
Bleeding and platelet disorders.

Submission:

North West Genomic Laboratory Hub, Manchester University NHS Foundation Trust
Classification: Likely pathogenic for Bleeding and platelet disorders. Last evaluated: 2024-03-20. Review status: criteria provided, single submitter. Criteria: ACGS Best Practice Guidelines for Variant Classification in Rare Disease 2020. Collection method: clinical testing. Allele origin: germline. Affected: yes.
Comment: PP4_Supp PM2_Mod PVS1_Str